The following is an entry in ClinVar:

NM_001148.6(ANK2):c.3415A>C (p.Ile1139Leu)

Gene: ANK2 (ankyrin 2; plus strand). Cytogenetic location: 4q26.
Variant type: single nucleotide variant.
Coding change: c.3415A>C on transcript NM_001148.6 (MANE Select); coding-DNA position 3415, A replaced by C.
Protein change: p.Ile1139Leu; replaces isoleucine 1139 with leucine.
Molecular consequence: missense variant.
Genome position (GRCh38, 1-based): chr4:113,335,881, A>C. VCF-style: chr4-113335881-A-C. GRCh37 (hg19) VCF-style: chr4-114257037-A-C.
Other names: c.3385A>C, p.Ile1129Leu (NM_001354252.2, NM_001354239.2); c.3190A>C, p.Ile1064Leu (NM_001354253.2, NM_001354270.2); c.3364A>C, p.Ile1122Leu (NM_001354254.2); c.3352A>C, p.Ile1118Leu (NM_001354255.2, NM_001354243.2, NM_001386143.1); c.3349A>C, p.Ile1117Leu (NM_001354256.2, NM_001354244.2, NM_001386161.1); c.943A>C, p.Ile315Leu (NM_001354278.2, NM_001354281.2); c.979A>C, p.Ile327Leu (NM_001354279.2, NM_001354282.2); c.964A>C, p.Ile322Leu (NM_001354280.2); and 30 more; short protein forms I1011L, I1039L, I1044L, I1052L, I1064L, I1068L, I1072L, I1073L.
Identifiers: ClinVar variation 1320777 (VCV001320777.4), dbSNP rs1232383514, ClinGen allele CA357937351.

ClinVar aggregate classification (germline): Uncertain significance. Review status: criteria provided, multiple submitters, no conflicts (2 of 4 stars). 2 submissions from 2 submitters: Uncertain significance (2). Last evaluated 2024-10-27.

Conditions:
Cardiovascular phenotype. Identifiers: MedGen CN230736.

Allele frequency attached by ClinVar (database versions not stated): gnomAD exomes below 0.00001 and 0.00001; gnomAD 0.00001.
gnomAD v4.1: 9 of 1,614,084 alleles (0.00056%); highest among the groups gnomAD compares: Non-Finnish European, 0.00076%; no homozygotes.

Submissions (2):

Ambry Genetics
Classification: Uncertain significance for Cardiovascular phenotype. Last evaluated: 2024-10-27. Review status: criteria provided, single submitter. Criteria: Ambry Variant Classification Scheme 2023. Collection method: clinical testing. Allele origin: germline.
Comment: The p.I1139L variant (also known as c.3415A>C), located in coding exon 30 of the ANK2 gene, results from an A to C substitution at nucleotide position 3415. The isoleucine at codon 1139 is replaced by leucine, an amino acid with highly similar properties. This amino acid position is conserved. In addition, the in silico prediction for this alteration is inconclusive. Based on the available evidence, the clinical significance of this variant remains unclear.

GeneDx
Classification: Uncertain significance. Last evaluated: 2020-07-15. Review status: criteria provided, single submitter. Criteria: GeneDx Variant Classification Process June 2021. Collection method: clinical testing. Allele origin: germline. Affected: yes.
Comment: Not observed at a significant frequency in large population cohorts (Lek et al., 2016); In silico analysis supports that this missense variant does not alter protein structure/function; Has not been previously published as pathogenic or benign to our knowledge